The following is an entry in ClinVar:

NM_002474.3(MYH11):c.4662G>C (p.Glu1554Asp)

Genes: NDE1 (nudE neurodevelopment protein 1; plus strand), MYH11 (myosin heavy chain 11; minus strand). Cytogenetic location: 16p13.11.
Variant type: single nucleotide variant.
Coding change: c.4662G>C on transcript NM_002474.3 (MANE Select); coding-DNA position 4662, G replaced by C.
Protein change: p.Glu1554Asp; replaces glutamic acid 1554 with aspartic acid.
Molecular consequence: missense variant. On other transcripts: intron variant (2).
Genome position (GRCh38, 1-based): chr16:15,720,968, C>G on the plus strand (G>C on the coding strand, the complement: MYH11 is on the minus strand). VCF-style: chr16-15720968-C-G. GRCh37 (hg19) VCF-style: chr16-15814825-C-G.
Other names: c.4683G>C, p.Glu1561Asp (NM_001040113.2, NM_001040114.2); c.4662G>C, p.Glu1554Asp (NM_022844.3); c.948-3223C>G (NM_001143979.2, NM_017668.3); short protein forms E1561D, E1554D.
Identifiers: ClinVar variation 3915409 (VCV003915409.1).

ClinVar aggregate classification (germline): Uncertain significance (1 of 4 stars; one submission).

Conditions:
Familial thoracic aortic aneurysm and aortic dissection (TAAD). Also called: Thoracic aortic aneurysms and dissections. Identifiers: Orphanet 91387, MedGen C4707243, MONDO:0019625.

Submission:

Ambry Genetics
Classification: Uncertain significance for Familial thoracic aortic aneurysm and aortic dissection. Last evaluated: 2025-03-25. Review status: criteria provided, single submitter. Criteria: Ambry Variant Classification Scheme 2023. Collection method: clinical testing. Allele origin: germline.
Comment: The p.E1554D variant (also known as c.4662G>C), located in coding exon 32 of the MYH11 gene, results from a G to C substitution at nucleotide position 4662. The glutamic acid at codon 1554 is replaced by aspartic acid, an amino acid with highly similar properties. This amino acid position is conserved. In addition, the in silico prediction for this alteration is inconclusive. Based on the available evidence, the clinical significance of this variant remains unclear.